The following is an entry in ClinVar:

NM_018116.4(MSTO1):c.680del

Gene: MSTO1 (misato mitochondrial distribution and morphology regulator 1; plus strand). Cytogenetic location: 1q22.
Variant type: Deletion.
Coding change: c.680del on transcript NM_018116.4 (MANE Select); coding-DNA position 680, one base deleted (G; older notation c.680delG).
Molecular consequence: splice acceptor variant.
Genome position (GRCh38, 1-based): chr1:155,612,183, G deleted; the last of 3 consecutive G bases (chr1:155,612,181-155,612,183); deleting any one gives the same sequence. VCF-style (leftmost placement, unchanged base first): chr1-155612180-AG-A. GRCh37 (hg19) VCF-style: chr1-155581971-AG-A.
Identifiers: ClinVar variation 4880512 (VCV004880512.2).

ClinVar aggregate classification (germline): Likely pathogenic (1 of 4 stars; one submission).

Conditions:
Mitochondrial myopathy-cerebellar ataxia-pigmentary retinopathy syndrome. Also called: MYOPATHY, MITOCHONDRIAL, AND ATAXIA. Identifiers: Orphanet 502423, MedGen C4540096, MONDO:0044714, OMIM 617675.

Submission:

Dasa
Classification: Likely pathogenic for Mitochondrial myopathy-cerebellar ataxia-pigmentary retinopathy syndrome. Last evaluated: 2025-03-14. Review status: criteria provided, single submitter. Criteria: DASA Assertion Criteria. Collection method: clinical testing. Allele origin: germline.
Comment: NM_018116.4(MSTO1):c.680del (p.Gly227Alafs*15) is a frameshift variant in MSTO1 predicted to alter the reading frame and introduce a premature termination codon and is predicted to result in an absent or altered protein product. Loss of function is an established disease mechanism for MSTO1-associated disorders. Also, this variant is rare in population databases. Based on the currently available evidence, this variant is classified as likely pathogenic.